The following is an entry in ClinVar:

NM_000063.6(C2):c.617-14G>A

Gene: C2 (complement C2; plus strand). Cytogenetic location: 6p21.33.
Variant type: single nucleotide variant.
Coding change: c.617-14G>A on transcript NM_000063.6 (MANE Select); 14 bases into the intron before coding-DNA position 617, G replaced by A.
Molecular consequence: intron variant.
Genome position (GRCh38, 1-based): chr6:31,933,853, G>A. VCF-style: chr6-31933853-G-A. GRCh37 (hg19) VCF-style: chr6-31901630-G-A.
Other names: c.111+70G>A (NM_001282457.2); c.248-14G>A (NM_001178063.3); c.530-14G>A (NM_001282458.2); c.221-14G>A (NM_001145903.3); c.617-14G>A (NM_001282459.2).
Identifiers: ClinVar variation 2010395 (VCV002010395.4), dbSNP rs2482519967, ClinGen allele CA2580074271.

ClinVar aggregate classification (germline): Uncertain significance (1 of 4 stars; one submission).

Allele frequency attached by ClinVar (database versions not stated): gnomAD exomes below 0.00001.
gnomAD v4.1: 1 of 1,613,816 alleles (0.000062%); highest among the groups gnomAD compares: Non-Finnish European, 0.000085%; no homozygotes.

Submission:

Labcorp Genetics (formerly Invitae), Labcorp
Classification: Uncertain significance. Last evaluated: 2022-06-24. Review status: criteria provided, single submitter. Criteria: Invitae Variant Classification Sherloc (09022015). Collection method: clinical testing. Allele origin: germline.
Comment: This variant has not been reported in the literature in individuals affected with C2-related conditions. Algorithms developed to predict the effect of sequence changes on RNA splicing suggest that this variant may create or strengthen a splice site. This sequence change falls in intron 4 of the C2 gene. It does not directly change the encoded amino acid sequence of the C2 protein. This variant is not present in population databases (gnomAD no frequency). In summary, the available evidence is currently insufficient to determine the role of this variant in disease. Therefore, it has been classified as a Variant of Uncertain Significance.